The following is an entry in ClinVar:

NM_001759.4(CCND2):c.802G>C (p.Gly268Arg)

Gene: CCND2 (cyclin D2; plus strand). Cytogenetic location: 12p13.32.
Variant type: single nucleotide variant.
Coding change: c.802G>C on transcript NM_001759.4 (MANE Select); coding-DNA position 802, G replaced by C.
Protein change: p.Gly268Arg; replaces glycine 268 with arginine.
Molecular consequence: missense variant.
Genome position (GRCh38, 1-based): chr12:4,299,941, G>C. VCF-style: chr12-4299941-G-C. GRCh37 (hg19) VCF-style: chr12-4409107-G-C.
Other names: short protein forms G268R.
Identifiers: ClinVar variation 2978029 (VCV002978029.3), dbSNP rs3217921, ClinGen allele CA383413659.
Genomic context (GRCh38, chr12:4,299,941, plus strand): 5'-GAGCAGATTGAGGCGGTGCTCCTCAATAGCCTGCAGCAGTACCGTCAGGACCAACGTGAC[G>C]GATCCAAGTCGGAGGATGAACTGGACCAAGCCAGCACCCCTACAGACGTGCGGGATATCG-3'
Protein context (NP_001750.1, residues 258-278): LQQYRQDQRD[Gly268Arg]SKSEDELDQA

ClinVar aggregate classification (germline): Uncertain significance (1 of 4 stars; one submission).

gnomAD v4.1: 29 of 1,614,028 alleles (0.0018%); highest among the groups gnomAD compares: Non-Finnish European, 0.002%; no homozygotes.

Submission:

Labcorp Genetics (formerly Invitae), Labcorp
Classification: Uncertain significance. Last evaluated: 2023-10-29. Review status: criteria provided, single submitter. Criteria: Invitae Variant Classification Sherloc (09022015). Collection method: clinical testing. Allele origin: germline.
Comment: This sequence change replaces glycine, which is neutral and non-polar, with arginine, which is basic and polar, at codon 268 of the CCND2 protein (p.Gly268Arg). This variant is present in population databases (no rsID available, gnomAD 0.0009%). This variant has not been reported in the literature in individuals affected with CCND2-related conditions. An algorithm developed to predict the effect of missense changes on protein structure and function (PolyPhen-2) suggests that this variant is likely to be tolerated. In summary, the available evidence is currently insufficient to determine the role of this variant in disease. Therefore, it has been classified as a Variant of Uncertain Significance.